The following is an entry in ClinVar:

NM_001267550.2(TTN):c.66308C>T (p.Thr22103Ile)

Genes: TTN (titin; minus strand), TTN-AS1 (TTN antisense RNA 1; plus strand). Cytogenetic location: 2q31.2.
Variant type: single nucleotide variant.
Coding change: c.66308C>T on transcript NM_001267550.2 (MANE Select); coding-DNA position 66308, C replaced by T.
Protein change: p.Thr22103Ile; replaces threonine 22103 with isoleucine.
Molecular consequence: missense variant.
Genome position (GRCh38, 1-based): chr2:178,582,061, G>A on the plus strand (C>T on the coding strand, the complement: TTN is on the minus strand). VCF-style: chr2-178582061-G-A. GRCh37 (hg19) VCF-style: chr2-179446788-G-A.
Other names: c.61385C>T, p.Thr20462Ile (NM_001256850.1); c.39113C>T, p.Thr13038Ile (NM_003319.4); c.58604C>T, p.Thr19535Ile (NM_133378.4); c.39488C>T, p.Thr13163Ile (NM_133432.3); c.39689C>T, p.Thr13230Ile (NM_133437.4); short protein forms T13038I, T13163I, T13230I, T19535I, T20462I, T22103I.
Identifiers: ClinVar variation 2430611 (VCV002430611.3), dbSNP rs1283761812, ClinGen allele CA349429411.

ClinVar aggregate classification (germline): Uncertain significance. Review status: criteria provided, multiple submitters, no conflicts (2 of 4 stars). 2 submissions from 2 submitters: Uncertain significance (2). Last evaluated 2023-02-14.

Submissions (2):

GeneDx
Classification: Uncertain significance. Last evaluated: 2023-02-14. Review status: criteria provided, single submitter. Criteria: GeneDx Variant Classification Process June 2021. Collection method: clinical testing. Allele origin: germline. Affected: yes.
Comment: Not observed at significant frequency in large population cohorts (gnomAD); Missense variant in a gene in which most reported pathogenic variants are truncating/loss-of-function; Has not been previously published as pathogenic or benign to our knowledge; This variant is associated with the following publications: (PMID: 23975875)

Revvity Omics, Revvity
Classification: Uncertain significance. Last evaluated: 2022-05-04. Review status: criteria provided, single submitter. Criteria: ACMG Guidelines, 2015. Collection method: clinical testing. Allele origin: germline.